The following is an entry in ClinVar:

NM_001376.5(DYNC1H1):c.580C>G (p.Leu194Val)

Gene: DYNC1H1 (dynein cytoplasmic 1 heavy chain 1; plus strand). Cytogenetic location: 14q32.31.
Variant type: single nucleotide variant.
Coding change: c.580C>G on transcript NM_001376.5 (MANE Select); coding-DNA position 580, C replaced by G.
Protein change: p.Leu194Val; replaces leucine 194 with valine.
Molecular consequence: missense variant.
Genome position (GRCh38, 1-based): chr14:101,979,780, C>G. VCF-style: chr14-101979780-C-G. GRCh37 (hg19) VCF-style: chr14-102446117-C-G.
Other names: short protein forms L194V.
Identifiers: ClinVar variation 1749835 (VCV001749835.2), dbSNP rs2141269698, ClinGen allele CA391008241.
Genomic context (GRCh38, chr14:101,979,780, plus strand): 5'-GATGGTGATAAAATGGCTCCTTCAGTTGAAAAGAAGATTGCAGAACTCGAAATGGGACTC[C>G]TTCACTTGCAGCAAAATATTGAAATTCCGGAGATCAGCCTGCCGATTCATCCAATGATCA-3'
Protein context (NP_001367.2, residues 184-204): KKIAELEMGL[Leu194Val]HLQQNIEIPE

ClinVar aggregate classification (germline): Uncertain significance (1 of 4 stars; one submission).

Conditions:
Inborn genetic diseases. Identifiers: MedGen C0950123, MeSH D030342.

Submission:

Ambry Genetics
Classification: Uncertain significance for Inborn genetic diseases. Last evaluated: 2018-04-18. Review status: criteria provided, single submitter. Criteria: Ambry Variant Classification Scheme 2023. Collection method: clinical testing. Allele origin: germline.
Comment: The p.L194V variant (also known as c.580C>G), located in coding exon 4 of the DYNC1H1 gene, results from a C to G substitution at nucleotide position 580. The leucine at codon 194 is replaced by valine, an amino acid with highly similar properties. This amino acid position is highly conserved in available vertebrate species. In addition, this alteration is predicted to be tolerated by in silico analysis. Since supporting evidence is limited at this time, the clinical significance of this alteration remains unclear.